The following is an entry in ClinVar:

NM_001199397.3(NEK1):c.2T>C (p.Met1Thr)

Gene: NEK1 (NIMA related kinase 1; minus strand). Cytogenetic location: 4q33.
Variant type: single nucleotide variant.
Coding change: c.2T>C on transcript NM_001199397.3 (MANE Select); coding-DNA position 2, T replaced by C.
Protein change: p.Met1Thr; changes the start codon (methionine 1).
Molecular consequence: missense variant, initiator codon variant. On other transcripts: 5 prime UTR variant (2), non-coding transcript variant (2).
Genome position (GRCh38, 1-based): chr4:169,602,629, A>G on the plus strand (T>C on the coding strand, the complement: NEK1 is on the minus strand). VCF-style: chr4-169602629-A-G. GRCh37 (hg19) VCF-style: chr4-170523780-A-G.
Other names: c.2T>C, p.Met1Thr (NM_001440621.1, NM_001440622.1, NM_001440623.1 and 11 more transcripts); c.-522T>C (NM_001440624.1, NM_001440625.1); c.2T>C (NM_012224.2); short protein forms M1T.
Identifiers: ClinVar variation 4799916 (VCV004799916.2).
Genomic context (GRCh38, chr4:169,602,629, plus strand): 5'-ACAAGAATGGCTTTTCCAAATGAACCTTCTCCAATCTTCTGTAGTCTAACATACTTCTCC[A>G]TGATTCTTTTTCTAAGGCATCTTTACAGATATGCTAGACATTTAAAAAACTAACAAAAAA-3'
Protein context (NP_001186326.1, residues 1-11): [Met1Thr]EKYVRLQKIG

ClinVar aggregate classification (germline): Conflicting classifications of pathogenicity. Review status: criteria provided, conflicting classifications (1 of 4 stars). 2 submissions from 2 submitters: Likely pathogenic (1); Uncertain significance (1). Last evaluated 2025-06-17.

Conditions:
Short-rib thoracic dysplasia 6 with or without polydactyly (SRTD6). Also called: SHORT RIB-POLYDACTYLY SYNDROME, TYPE IIA; POLYDACTYLY WITH NEONATAL CHONDRODYSTROPHY, TYPE II; Majewski Syndrome; SHORT-RIB THORACIC DYSPLASIA 6 WITH POLYDACTYLY; SHORT-RIB THORACIC DYSPLASIA 6 WITHOUT POLYDACTYLY. Identifiers: MedGen C0024507, MONDO:0009894, OMIM 263520.
NEK1-related disorder. Also called: NEK1-related condition.

Submissions (2):

Labcorp Genetics (formerly Invitae), Labcorp
Classification: Uncertain significance for Short-rib thoracic dysplasia 6 with or without polydactyly. Last evaluated: 2025-06-17. Review status: criteria provided, single submitter. Criteria: Invitae Variant Classification Sherloc (09022015). Collection method: clinical testing. Allele origin: germline.
Comment: This sequence change affects the initiator codon of the NEK1 mRNA. This change may impact translation initiation or efficiency. The next in-frame methionine is located at codon 40. This variant is not present in population databases (gnomAD no frequency). This variant has not been reported in the literature in individuals affected with NEK1-related conditions. Experimental studies and prediction algorithms are not available or were not evaluated, and the functional significance of this variant is currently unknown. In summary, the available evidence is currently insufficient to determine the role of this variant in disease. Therefore, it has been classified as a Variant of Uncertain Significance.

PreventionGenetics, part of Exact Sciences
Classification: Likely pathogenic for NEK1-related condition. Last evaluated: 2025-01-10. Review status: criteria provided, single submitter. Criteria: ACMG Guidelines, 2015. Collection method: clinical testing. Allele origin: germline.
Comment: The NEK1 c.2T>C variant is predicted to disrupt the translation initiation site (Start loss). This variant has been reported in an individual with amyotrophic lateral sclerosis (ALS, Patient 1577, Table 1, Lattante et al. 2021. PubMed ID: 33445179). This variant has not been reported in a large population database (gnomAD), indicating this variant is rare. Protein-truncating variants in NEK1 are expected to be pathogenic. This variant is interpreted as likely pathogenic.